The following is an entry in ClinVar:

NM_001205293.3(CACNA1E):c.6571dup (p.Glu2191fs)

Gene: CACNA1E (calcium voltage-gated channel subunit alpha1 E; plus strand). Cytogenetic location: 1q25.3.
Variant type: Duplication.
Coding change: c.6571dup on transcript NM_001205293.3 (MANE Select); coding-DNA position 6571, one base duplicated (G; older notation c.6571dupG).
Protein change: p.Glu2191fs; shifts the reading frame from glutamic acid 2191.
Molecular consequence: frameshift variant.
Genome position (GRCh38, 1-based): chr1:181,798,463, G duplicated; the last of 2 consecutive G bases (chr1:181,798,462-181,798,463); duplicating either gives the same sequence. VCF-style (leftmost placement, unchanged base first): chr1-181798461-A-AG. GRCh37 (hg19) VCF-style: chr1-181767597-A-AG.
Other names: c.6442dup, p.Glu2148fs (NM_000721.4); c.6385dup, p.Glu2129fs (NM_001205294.2); short protein forms E2148fs, E2191fs, E2129fs.
Identifiers: ClinVar variation 1385680 (VCV001385680.6), dbSNP rs2102911073, ClinGen allele CA2573131302.

ClinVar aggregate classification (germline): Uncertain significance (1 of 4 stars; one submission).

Submission:

Labcorp Genetics (formerly Invitae), Labcorp
Classification: Uncertain significance. Last evaluated: 2021-10-10. Review status: criteria provided, single submitter. Criteria: Invitae Variant Classification Sherloc (09022015). Collection method: clinical testing. Allele origin: germline.
Comment: In summary, the available evidence is currently insufficient to determine the role of this variant in disease. Therefore, it has been classified as a Variant of Uncertain Significance. Experimental studies and prediction algorithms are not available or were not evaluated, and the functional significance of this variant is currently unknown. This variant has not been reported in the literature in individuals affected with CACNA1E-related conditions. This variant is not present in population databases (ExAC no frequency). This sequence change creates a premature translational stop signal (p.Glu2148Glyfs*56) in the CACNA1E gene. While this is not anticipated to result in nonsense mediated decay, it is expected to disrupt the last 123 amino acid(s) of the CACNA1E protein.